The following is an entry in ClinVar:

NM_001374385.1(ATP8B1):c.3579_3589del (p.Arg1194fs)

Genes: ATP8B1 (ATPase phospholipid transporting 8B1; minus strand), ATP8B1-AS1 (ATP8B1 antisense RNA 1; plus strand). Cytogenetic location: 18q21.31.
Variant type: Deletion.
Coding change: c.3579_3589del on transcript NM_001374385.1 (MANE Select); coding-DNA positions 3579 to 3589, 11 bases deleted (ACGGCAGCAGG).
Protein change: p.Arg1194fs; shifts the reading frame from arginine 1194.
Molecular consequence: frameshift variant.
Genome position (GRCh38, 1-based): chr18:57,648,655-57,648,665, CCTGCTGCCGT deleted on the plus strand (ACGGCAGCAGG on the coding strand, the reverse complement: ATP8B1 is on the minus strand); deleting any 11 consecutive bases within chr18:57,648,655-57,648,666 gives the same sequence; the c. name uses the placement nearest the transcript's 3' end. VCF-style (leftmost placement, unchanged base first): chr18-57648654-ACCTGCTGCCGT-A. GRCh37 (hg19) VCF-style: chr18-55315886-ACCTGCTGCCGT-A.
Other names: c.3429_3439del, p.Arg1144fs (NM_001374386.1); c.3579_3589del, p.Arg1194fs (NM_005603.6); short protein forms R1144fs, R1194fs.
Identifiers: ClinVar variation 4846270 (VCV004846270.1).
Genomic context (GRCh38, chr18:57,648,654, plus strand): 5'-TAGCCCCGCTGGTGCGAGAAGGCGTAGGCCGAGCGCCGCGTTGACACGCCCCGGCGGAAC[ACCTGCTGCCGT>A]CGCTGCCACTGCTCCTCCGCCTTCAACCGCTTGCGATGCTTCTGGATCTGCAAGGGGGAG-3'

ClinVar aggregate classification (germline): Pathogenic (1 of 4 stars; one submission).

Conditions:
Familial intrahepatic cholestasis. Identifiers: Orphanet 284385, MedGen CN296401, MONDO:0017290.

Submission:

Genomenon, Inc
Classification: Pathogenic for Familial intrahepatic cholestasis. Last evaluated: 2026-04-14. Review status: criteria provided, single submitter. Criteria: Genomenon Sequence Variant Interpretation Standards - Updated. Collection method: curation. Allele origin: germline. Affected: yes.
Comment: ATP8B1 p.Arg1194ValfsTer38 (c.3579_3589del) is a frameshift variant that results in the production of a truncated protein. This variant has been observed in at least one proband with features of ATP8B1-deficiency (PMID:33437900;29104077;26858187). It has been observed in trans with a pathogenic or likely pathogenic variant (PMID:26858187). It is absent or not present at a significant frequency in gnomAD. In conclusion, we classify ATP8B1 p.Arg1194ValfsTer38 (c.3579_3589del) as a pathogenic variant.

Literature cited by the submitters: PubMed 33437900; PubMed 29104077; PubMed 26858187.